The following is an entry in ClinVar:

NM_000368.5(TSC1):c.1951_1954del (p.Asp650_Arg651insTer)

Gene: TSC1 (TSC complex subunit 1; minus strand). Cytogenetic location: 9q34.13.
Variant type: Deletion.
Coding change: c.1951_1954del on transcript NM_000368.5 (MANE Select); coding-DNA positions 1951 to 1954, 4 bases deleted (AGAC; older notation c.1951_1954delAGAC).
Protein change: p.Asp650_Arg651insTer.
Molecular consequence: nonsense. On other transcripts: non-coding transcript variant (5).
Genome position (GRCh38, 1-based): chr9:132,905,624-132,905,627, GTCT deleted on the plus strand (AGAC on the coding strand, the reverse complement: TSC1 is on the minus strand); deleting any 4 consecutive bases within chr9:132,905,624-132,905,630 gives the same sequence; the c. name uses the placement nearest the transcript's 3' end. VCF-style (leftmost placement, unchanged base first): chr9-132905623-AGTCT-A. GRCh37 (hg19) VCF-style: chr9-135781010-AGTCT-A.
Other names: c.1948_1951del, p.Asp649_Arg650insTer (NM_001162426.2, NM_001406597.1, NM_001406598.1 and 6 more transcripts); c.1798_1801del, p.Asp599_Arg600insTer (NM_001162427.2, NM_001406610.1); c.1588_1591del, p.Asp529_Arg530insTer (NM_001362177.2, NM_001406614.1, NM_001406615.1 and 5 more transcripts); c.1951_1954del, p.Asp650_Arg651insTer (NM_001406592.1, NM_001406593.1, NM_001406594.1 and 7 more transcripts); c.1795_1798del, p.Asp598_Arg599insTer (NM_001406611.1, NM_001406612.1, NM_001406613.1); c.1585_1588del, p.Asp528_Arg529insTer (NM_001406620.1, NM_001406621.1, NM_001406622.1 and 2 more transcripts); c.1000_1003del, p.Asp333_Arg334insTer (NM_001406626.1); c.997_1000del, p.Asp332_Arg333insTer (NM_001406627.1, NM_001406628.1); and 1 more.
Identifiers: ClinVar variation 4294464 (VCV004294464.1).

ClinVar aggregate classification (germline): Likely pathogenic (1 of 4 stars; one submission).

Conditions:
Tuberous sclerosis 1 (TSC1). Identifiers: Orphanet 805, MedGen C1854465, MONDO:0008612, OMIM 191100.

Submission:

Molecular Genetics Department, Kulakov National Medical Research Center for Obstetrics, Gynecology and Perinatology
Classification: Likely pathogenic for Tuberous sclerosis 1. Review status: criteria provided, single submitter. Criteria: ACMG Guidelines, 2015. Collection method: clinical testing. Allele origin: germline. Affected: yes. Observed: 1 variant allele.
Comment: A previously undescribed heterozygous nucleotide variant creates a frameshift p.Arg651Ter in the TSC1 gene. Heterozygous variants are reported in patients with Tuberous sclerosis-1, 191100. The variant is not present in population database (gnomAD no frequency). In summary, the currently available evidence indicates that the variant is pathogenic, but additional data are needed to prove that conclusively. Therefore, this variant has been classified as likely pathogenic.